The following is an entry in ClinVar:

NM_030957.4(ADAMTS10):c.1234C>T (p.Arg412Cys)

Gene: ADAMTS10 (ADAM metallopeptidase with thrombospondin type 1 motif 10; minus strand). Cytogenetic location: 19p13.2.
Variant type: single nucleotide variant.
Coding change: c.1234C>T on transcript NM_030957.4 (MANE Select); coding-DNA position 1234, C replaced by T.
Protein change: p.Arg412Cys; replaces arginine 412 with cysteine.
Molecular consequence: missense variant.
Genome position (GRCh38, 1-based): chr19:8,596,176, G>A on the plus strand (C>T on the coding strand, the complement: ADAMTS10 is on the minus strand). VCF-style: chr19-8596176-G-A. GRCh37 (hg19) VCF-style: chr19-8661060-G-A.
Other names: short protein forms R412C.
Identifiers: ClinVar variation 1944150 (VCV001944150.5), dbSNP rs2042601816, ClinGen allele CA403755410.

ClinVar aggregate classification (germline): Uncertain significance (1 of 4 stars; one submission).

Allele frequency attached by ClinVar (database versions not stated): gnomAD exomes 0.00002.
gnomAD v4.1: 27 of 1,614,094 alleles (0.0017%); highest among the groups gnomAD compares: Non-Finnish European, 0.0022%; no homozygotes.

Submission:

Labcorp Genetics (formerly Invitae), Labcorp
Classification: Uncertain significance. Last evaluated: 2022-06-07. Review status: criteria provided, single submitter. Criteria: Invitae Variant Classification Sherloc (09022015). Collection method: clinical testing. Allele origin: germline.
Comment: This sequence change replaces arginine, which is basic and polar, with cysteine, which is neutral and slightly polar, at codon 412 of the ADAMTS10 protein (p.Arg412Cys). This variant is not present in population databases (gnomAD no frequency). This variant has not been reported in the literature in individuals affected with ADAMTS10-related conditions. Algorithms developed to predict the effect of missense changes on protein structure and function (SIFT, PolyPhen-2, Align-GVGD) all suggest that this variant is likely to be disruptive. In summary, the available evidence is currently insufficient to determine the role of this variant in disease. Therefore, it has been classified as a Variant of Uncertain Significance.